The following is an entry in ClinVar:

ClinVar aggregate classification (germline): Uncertain significance. Review status: criteria provided, single submitter (1 of 4 stars). 2 submissions from 2 submitters: Uncertain significance (1). 1 of the submissions does not count toward it. Last evaluated 2019-05-10.

Allele frequency attached by ClinVar (database versions not stated): gnomAD exomes below 0.00001 and 0.00001; TOPMed below 0.00001; ExAC 0.00001.
gnomAD v4.1: 3 of 1,614,228 alleles (0.00019%); highest among the groups gnomAD compares: Middle Eastern, 0.016%; no homozygotes.

Submissions (2):

Blueprint Genetics
Classification: Uncertain significance. Last evaluated: 2019-05-10. Review status: criteria provided, single submitter. Criteria: ACMG Guidelines, 2015. Collection method: clinical testing. Allele origin: germline.

Department of Pathology and Laboratory Medicine, Sinai Health System
Classification: Uncertain significance. Review status: no assertion criteria provided. Collection method: clinical testing. Allele origin: unknown. Affected: yes. Study: The Canadian Open Genetics Repository (COGR). Not counted in ClinVar's aggregate classification.
Comment: The SYNE1 p.H3801Y variant was not identified in the literature nor was it identified in ClinVar. The variant was identified in dbSNP (ID: rs761960802) and in control databases in 1 of 251464 chromosomes at a frequency of 0.000003977 (Genome Aggregation Database March 6, 2019, v2.1.1). The variant was observed in the European (non-Finnish) population in 1 of 113744 chromosomes (freq: 0.000009), but was not observed in the African, Latino, Ashkenazi Jewish, East Asian, European (Finnish), Other, or South Asian populations. The p.H3801 residue is not conserved in mammals and computational analyses (PolyPhen-2, SIFT, MutationTaster, Revel, FATHMM, MetaLR, DANN) do not suggest a high likelihood of impact to the protein; however, this information is not predictive enough to rule out pathogenicity. The variant occurs outside of the splicing consensus sequence and in silico or computational prediction software programs (Splice AI exome) do not predict a difference in splicing. In summary, based on the above information the clinical significance of this variant cannot be determined with certainty at this time. This variant is classified as a variant of uncertain significance.

NM_182961.4(SYNE1):c.11446C>T (p.His3816Tyr)

Gene: SYNE1 (spectrin repeat containing nuclear envelope protein 1; minus strand). Cytogenetic location: 6q25.2.
Variant type: single nucleotide variant.
Coding change: c.11446C>T on transcript NM_182961.4 (MANE Select); coding-DNA position 11446, C replaced by T.
Protein change: p.His3816Tyr; replaces histidine 3816 with tyrosine.
Molecular consequence: missense variant.
Genome position (GRCh38, 1-based): chr6:152,352,161, G>A on the plus strand (C>T on the coding strand, the complement: SYNE1 is on the minus strand). VCF-style: chr6-152352161-G-A. GRCh37 (hg19) VCF-style: chr6-152673296-G-A.
Other names: c.11401C>T, p.His3801Tyr (NM_033071.5); short protein forms H3801Y, H3816Y.
Identifiers: ClinVar variation 1049675 (VCV001049675.2), dbSNP rs761960802, ClinGen allele CA4056690.